The following is an entry in ClinVar:

NM_130839.5(UBE3A):c.535C>T (p.Gln179Ter)

Genes: SNHG14 (small nucleolar RNA host gene 14; plus strand), UBE3A (ubiquitin protein ligase E3A; minus strand). Cytogenetic location: 15q11.2.
Variant type: single nucleotide variant.
Coding change: c.535C>T on transcript NM_130839.5 (MANE Select); coding-DNA position 535, C replaced by T.
Protein change: p.Gln179Ter; replaces glutamine 179 with a stop codon.
Molecular consequence: nonsense. On other transcripts: non-coding transcript variant (1), intron variant (2).
Genome position (GRCh38, 1-based): chr15:25,371,639, G>A on the plus strand (C>T on the coding strand, the complement: UBE3A is on the minus strand). VCF-style: chr15-25371639-G-A. GRCh37 (hg19) VCF-style: chr15-25616786-G-A.
Other names: c.544C>T, p.Gln182Ter (NM_000462.5); c.535C>T, p.Gln179Ter (NM_001354505.1, NM_001354538.2, NM_001354545.2); c.475C>T, p.Gln159Ter (NM_001354506.2, NM_001354507.2, NM_001354508.2 and 17 more transcripts); c.301+3826C>T (NM_001354551.2); c.361+3826C>T (NM_001354550.2); c.358C>T, p.Gln120Ter (NM_001354546.2); c.475C>T (NM_130838.1); short protein forms Q120*, Q159*, Q179*, Q182*.
Identifiers: ClinVar variation 987240 (VCV000987240.3), dbSNP rs2080305309, ClinGen allele CA391355638.

ClinVar aggregate classification (germline): Pathogenic. Review status: criteria provided, multiple submitters, no conflicts (2 of 4 stars). 2 submissions from 2 submitters: Pathogenic (2). Last evaluated 2024-02-26.

Submissions (2):

GeneDx
Classification: Pathogenic. Last evaluated: 2024-02-26. Review status: criteria provided, single submitter. Criteria: GeneDx Variant Classification Process June 2021. Collection method: clinical testing. Allele origin: germline. Affected: yes.
Comment: Nonsense variant predicted to result in protein truncation or nonsense mediated decay in a gene for which loss of function is a known mechanism of disease; Not observed at significant frequency in large population cohorts (gnomAD); Has not been previously published as pathogenic or benign to our knowledge

Institute of Medical Genetics and Applied Genomics, University Hospital Tübingen
Classification: Pathogenic. Last evaluated: 2020-10-23. Review status: criteria provided, single submitter. Criteria: ACMG Guidelines, 2015. Collection method: clinical testing. Allele origin: germline. Inheritance: Unknown mechanism. Affected: yes.